The following is an entry in ClinVar:

ClinVar aggregate classification (germline): Likely benign. Review status: criteria provided, multiple submitters, no conflicts (2 of 4 stars). 4 submissions from 4 submitters: Likely benign (4). Last evaluated 2025-12-24.

Conditions:
Inborn genetic diseases. Identifiers: MedGen C0950123, MeSH D030342.

Allele frequency attached by ClinVar (database versions not stated): ESP Exome Variant Server 0.00196; gnomAD 0.00224 and 0.00235; TOPMed 0.00253; 1000 Genomes Project 0.00339; 1000 Genomes Project 30x 0.00375.
gnomAD v4.1: 675 of 1,612,964 alleles (0.042%); highest among the groups gnomAD compares: African/African-American, 0.83%; 2 homozygotes.

Submissions (4):

Labcorp Genetics (formerly Invitae), Labcorp
Classification: Likely benign. Last evaluated: 2025-12-24. Review status: criteria provided, single submitter. Criteria: Invitae Variant Classification Sherloc (09022015). Collection method: clinical testing. Allele origin: germline.

Ambry Genetics
Classification: Likely benign for Inborn genetic diseases. Last evaluated: 2025-08-02. Review status: criteria provided, single submitter. Criteria: Ambry Variant Classification Scheme 2023. Collection method: clinical testing. Allele origin: germline.

CeGaT Center for Human Genetics Tuebingen
Classification: Likely benign. Last evaluated: 2024-02-01. Review status: criteria provided, single submitter. Criteria: CeGaT Center For Human Genetics Tuebingen Variant Classification Criteria Version 2. Collection method: clinical testing. Allele origin: germline. Affected: yes. Observed: 1 variant allele.
Comment: DOCK6: BS2

GeneDx
Classification: Likely benign. Last evaluated: 2021-06-12. Review status: criteria provided, single submitter. Criteria: GeneDx Variant Classification Process June 2021. Collection method: clinical testing. Allele origin: germline. Affected: yes.

NM_020812.4(DOCK6):c.1068G>C (p.Glu356Asp)

Gene: DOCK6 (dedicator of cytokinesis 6; minus strand). Cytogenetic location: 19p13.2.
Variant type: single nucleotide variant.
Coding change: c.1068G>C on transcript NM_020812.4 (MANE Select); coding-DNA position 1068, G replaced by C.
Protein change: p.Glu356Asp; replaces glutamic acid 356 with aspartic acid.
Molecular consequence: missense variant.
Genome position (GRCh38, 1-based): chr19:11,243,838, C>G on the plus strand (G>C on the coding strand, the complement: DOCK6 is on the minus strand). VCF-style: chr19-11243838-C-G. GRCh37 (hg19) VCF-style: chr19-11354514-C-G.
Other names: c.1068G>C (NM_020812.2); c.1068G>C, p.Glu356Asp (NM_001367830.1); short protein forms E356D.
Identifiers: ClinVar variation 787479 (VCV000787479.35), dbSNP rs73925150, ClinGen allele CA9208259.